The following is an entry in ClinVar:

NM_000282.4(PCCA):c.488T>A (p.Phe163Tyr)

Gene: PCCA (propionyl-CoA carboxylase subunit alpha; plus strand). Cytogenetic location: 13q32.3.
Variant type: single nucleotide variant.
Coding change: c.488T>A on transcript NM_000282.4 (MANE Select); coding-DNA position 488, T replaced by A.
Protein change: p.Phe163Tyr; replaces phenylalanine 163 with tyrosine.
Molecular consequence: missense variant. On other transcripts: 5 prime UTR variant (3), non-coding transcript variant (5).
Genome position (GRCh38, 1-based): chr13:100,209,351, T>A. VCF-style: chr13-100209351-T-A. GRCh37 (hg19) VCF-style: chr13-100861605-T-A.
Other names: c.488T>A (NM_000282.3); c.410T>A, p.Phe137Tyr (NM_001127692.3, NM_001352607.2, NM_001352608.2); c.488T>A, p.Phe163Tyr (NM_001178004.2, NM_001352605.2, NM_001352606.2 and 1 more transcripts); c.-379T>A (NM_001352610.2, NM_001352611.2, NM_001352612.2); short protein forms F163Y, F137Y.
Identifiers: ClinVar variation 1348344 (VCV001348344.7), dbSNP rs1177671858, ClinGen allele CA388693291.

ClinVar aggregate classification (germline): Uncertain significance. Review status: criteria provided, single submitter (1 of 4 stars). 2 submissions from 2 submitters: Uncertain significance (1). 1 of the submissions does not count toward it. Last evaluated 2021-08-23.

Conditions:
Propionic acidemia (PROP). Also called: KETOTIC HYPERGLYCINEMIA; GLYCINEMIA, KETOTIC; HYPERGLYCINEMIA WITH KETOACIDOSIS AND LEUKOPENIA. Identifiers: Orphanet 35, MedGen C0268579, MONDO:0011628, OMIM 606054, HP:0003571.

Allele frequency attached by ClinVar (database versions not stated): gnomAD 0.00001.
gnomAD v4.1: 2 of 1,613,686 alleles (0.00012%); highest among the groups gnomAD compares: Admixed American, 0.0017%; no homozygotes.

Submissions (2):

Labcorp Genetics (formerly Invitae), Labcorp
Classification: Uncertain significance for Propionic acidemia. Last evaluated: 2021-08-23. Review status: criteria provided, single submitter. Criteria: Invitae Variant Classification Sherloc (09022015). Collection method: clinical testing. Allele origin: germline.
Comment: This sequence change replaces phenylalanine with tyrosine at codon 163 of the PCCA protein (p.Phe163Tyr). The phenylalanine residue is highly conserved and there is a small physicochemical difference between phenylalanine and tyrosine. This variant is not present in population databases (ExAC no frequency). This variant has not been reported in the literature in individuals affected with PCCA-related conditions. Advanced modeling of protein sequence and biophysical properties (such as structural, functional, and spatial information, amino acid conservation, physicochemical variation, residue mobility, and thermodynamic stability) performed at Invitae indicates that this missense variant is expected to disrupt PCCA protein function. In summary, the available evidence is currently insufficient to determine the role of this variant in disease. Therefore, it has been classified as a Variant of Uncertain Significance.

Natera, Inc.
Classification: Uncertain significance for Propionic acidemia. Last evaluated: 2025-04-10. Review status: no assertion criteria provided. Collection method: clinical testing. Allele origin: germline. Not counted in ClinVar's aggregate classification.